The following is an entry in ClinVar:

NM_003630.3(PEX3):c.1048A>C (p.Thr350Pro)

Gene: PEX3 (peroxisomal biogenesis factor 3; plus strand). Cytogenetic location: 6q24.2.
Variant type: single nucleotide variant.
Coding change: c.1048A>C on transcript NM_003630.3 (MANE Select); coding-DNA position 1048, A replaced by C.
Protein change: p.Thr350Pro; replaces threonine 350 with proline.
Molecular consequence: missense variant.
Genome position (GRCh38, 1-based): chr6:143,489,152, A>C. VCF-style: chr6-143489152-A-C. GRCh37 (hg19) VCF-style: chr6-143810289-A-C.
Other names: short protein forms T350P.
Identifiers: ClinVar variation 1029734 (VCV001029734.1), dbSNP rs1780354202, ClinGen allele CA365888535.
Genomic context (GRCh38, chr6:143,489,152, plus strand): 5'-AATTAGCTATATGTTTTGCAAACTATAATGTTATATTATCATCTTTGCTAGGATCTGTTG[A>C]CAATGGAGCAAGTGAAAGACTTTGCTGCTAATGTGTATGAAGCTTTTAGTACCCCTCAGC-3'
Protein context (NP_003621.1, residues 340-360): TPSHFVQDLL[Thr350Pro]MEQVKDFAAN

ClinVar aggregate classification (germline): Uncertain significance (1 of 4 stars; one submission).

Conditions:
Peroxisome biogenesis disorder 10A (Zellweger). Also called: Peroxisome biogenesis disorder 10A. Identifiers: Orphanet 912, MedGen C3553999, MONDO:0013948, OMIM 614882.

Submission:

Baylor Genetics
Classification: Uncertain significance for Peroxisome biogenesis disorder 10A (Zellweger). Last evaluated: 2019-10-29. Review status: criteria provided, single submitter. Criteria: ACMG Guidelines, 2015. Collection method: clinical testing. Allele origin: unknown. Affected: yes.
Comment: This variant was determined to be of uncertain significance according to ACMG Guidelines, 2015 [PMID:25741868].